The following is an entry in ClinVar:

ClinVar aggregate classification (germline): Uncertain significance (1 of 4 stars; one submission).

Conditions:
Hereditary cancer-predisposing syndrome. Also called: Hereditary Cancer Syndrome; Tumor predisposition; Hereditary neoplastic syndrome; Neoplastic Syndromes, Hereditary. Identifiers: Orphanet 140162, MedGen C0027672, MeSH D009386, MONDO:0015356.

Submission:

Ambry Genetics
Classification: Uncertain significance for Hereditary cancer-predisposing syndrome. Last evaluated: 2024-11-14. Review status: criteria provided, single submitter. Criteria: Ambry Variant Classification Scheme 2023. Collection method: clinical testing. Allele origin: germline.
Comment: The p.K393N variant (also known as c.1179A>C), located in coding exon 10 of the MRE11A gene, results from an A to C substitution at nucleotide position 1179. The lysine at codon 393 is replaced by asparagine, an amino acid with similar properties. This amino acid position is conserved. In addition, this alteration is predicted to be tolerated by in silico analysis. Based on the available evidence, the clinical significance of this variant remains unclear.

NM_005591.4(MRE11):c.1179A>C (p.Lys393Asn)

Gene: MRE11 (MRE11 double strand break repair nuclease; minus strand). Cytogenetic location: 11q21.
Variant type: single nucleotide variant.
Coding change: c.1179A>C on transcript NM_005591.4 (MANE Select); coding-DNA position 1179, A replaced by C.
Protein change: p.Lys393Asn; replaces lysine 393 with asparagine.
Molecular consequence: missense variant.
Genome position (GRCh38, 1-based): chr11:94,464,159, T>G on the plus strand (A>C on the coding strand, the complement: MRE11 is on the minus strand). VCF-style: chr11-94464159-T-G. GRCh37 (hg19) VCF-style: chr11-94197325-T-G.
Other names: c.1179A>C, p.Lys393Asn (NM_001330347.2, NM_005590.4); short protein forms K393N.
Identifiers: ClinVar variation 3397885 (VCV003397885.1).